The following is an entry in ClinVar:

ClinVar aggregate classification (germline): Uncertain significance. Review status: criteria provided, multiple submitters, no conflicts (2 of 4 stars). 3 submissions from 3 submitters: Uncertain significance (3). Last evaluated 2025-08-21.

Conditions:
Inborn genetic diseases. Identifiers: MedGen C0950123, MeSH D030342.
MECOM-related disorder. Also called: MECOM-related condition.

Allele frequency attached by ClinVar (database versions not stated): TOPMed 0.00001; gnomAD exomes 0.00002; gnomAD 0.00001.
gnomAD v4.1: 29 of 1,614,046 alleles (0.0018%); highest among the groups gnomAD compares: Non-Finnish European, 0.0024%; no homozygotes.

Submissions (3):

Labcorp Genetics (formerly Invitae), Labcorp
Classification: Uncertain significance. Last evaluated: 2025-08-21. Review status: criteria provided, single submitter. Criteria: Invitae Variant Classification Sherloc (09022015). Collection method: clinical testing. Allele origin: germline.
Comment: This sequence change replaces arginine, which is basic and polar, with glycine, which is neutral and non-polar, at codon 592 of the MECOM protein (p.Arg592Gly). This variant is present in population databases (no rsID available, gnomAD 0.002%). This variant has not been reported in the literature in individuals affected with MECOM-related conditions. ClinVar contains an entry for this variant (Variation ID: 2631924). An algorithm developed to predict the effect of missense changes on protein structure and function (PolyPhen-2) suggests that this variant is likely to be disruptive. In summary, the available evidence is currently insufficient to determine the role of this variant in disease. Therefore, it has been classified as a Variant of Uncertain Significance.

Ambry Genetics
Classification: Uncertain significance for Inborn genetic diseases. Last evaluated: 2025-04-22. Review status: criteria provided, single submitter. Criteria: Ambry Variant Classification Scheme 2023. Collection method: clinical testing. Allele origin: germline.
Comment: The p.R780G variant (also known as c.2338A>G), located in coding exon 8 of the MECOM gene, results from an A to G substitution at nucleotide position 2338. The arginine at codon 780 is replaced by glycine, an amino acid with dissimilar properties. This amino acid position is conserved. In addition, the in silico prediction for this alteration is inconclusive. Based on the available evidence, the clinical significance of this variant remains unclear.

PreventionGenetics, part of Exact Sciences
Classification: Uncertain significance for MECOM-related condition. Last evaluated: 2023-05-12. Review status: criteria provided, single submitter. Criteria: ACMG Guidelines, 2015. Collection method: clinical testing. Allele origin: germline.
Comment: The MECOM c.2338A>G variant is predicted to result in the amino acid substitution p.Arg780Gly. To our knowledge, this variant has not been reported in the literature. This variant is reported in 0.0015% of alleles in individuals of European (Non-Finnish) descent in gnomAD. At this time, the clinical significance of this variant is uncertain due to the absence of conclusive functional and genetic evidence.

NM_004991.4(MECOM):c.2338A>G (p.Arg780Gly)

Gene: MECOM (MDS1 and EVI1 complex locus; minus strand). Cytogenetic location: 3q26.2.
Variant type: single nucleotide variant.
Coding change: c.2338A>G on transcript NM_004991.4 (MANE Select); coding-DNA position 2338, A replaced by G.
Protein change: p.Arg780Gly; replaces arginine 780 with glycine.
Molecular consequence: missense variant.
Genome position (GRCh38, 1-based): chr3:169,115,534, T>C on the plus strand (A>G on the coding strand, the complement: MECOM is on the minus strand). VCF-style: chr3-169115534-T-C. GRCh37 (hg19) VCF-style: chr3-168833322-T-C.
Other names: c.1969A>G, p.Arg657Gly (NM_001105077.4); c.1774A>G, p.Arg592Gly (NM_001105078.4, NM_001164000.2, NM_001205194.2 and 4 more transcripts); c.1777A>G, p.Arg593Gly (NM_001163999.2, NM_001366467.2, NM_001366468.2 and 1 more transcripts); c.2338A>G, p.Arg780Gly (NM_001366466.2); c.1366A>G, p.Arg456Gly (NM_001366473.2); c.802A>G, p.Arg268Gly (NM_001366474.2); short protein forms R268G, R456G, R592G, R593G, R657G, R780G.
Identifiers: ClinVar variation 2631924 (VCV002631924.5), dbSNP rs1447238646, ClinGen allele CA355084851.